The following is an entry in ClinVar:

NM_000222.3(KIT):c.2108A>C (p.Tyr703Ser)

Gene: KIT (KIT proto-oncogene, receptor tyrosine kinase; plus strand). Cytogenetic location: 4q12.
Variant type: single nucleotide variant.
Coding change: c.2108A>C on transcript NM_000222.3 (MANE Select); coding-DNA position 2108, A replaced by C.
Protein change: p.Tyr703Ser; replaces tyrosine 703 with serine.
Molecular consequence: missense variant.
Genome position (GRCh38, 1-based): chr4:54,729,452, A>C. VCF-style: chr4-54729452-A-C. GRCh37 (hg19) VCF-style: chr4-55595618-A-C.
Other names: c.2096A>C, p.Tyr699Ser (NM_001093772.2, NM_001385286.1); c.2111A>C, p.Tyr704Ser (NM_001385284.1, NM_001385290.1); c.2108A>C, p.Tyr703Ser (NM_001385285.1); c.2099A>C, p.Tyr700Ser (NM_001385288.1, NM_001385292.1); short protein forms Y699S, Y704S, Y700S, Y703S.
Identifiers: ClinVar variation 2102754 (VCV002102754.4), dbSNP rs771012963, ClinGen allele CA356909778.

ClinVar aggregate classification (germline): Uncertain significance (1 of 4 stars; one submission).

Conditions:
Gastrointestinal stromal tumor. Also called: Gastrointestinal stroma tumor; Gastrointestinal stromal tumor, somatic. Identifiers: Orphanet 44890, MedGen C0238198, MeSH D046152, MONDO:0011719, OMIM 606764, HP:0100723.

Submission:

Labcorp Genetics (formerly Invitae), Labcorp
Classification: Uncertain significance for Gastrointestinal stromal tumor. Last evaluated: 2024-11-04. Review status: criteria provided, single submitter. Criteria: Invitae Variant Classification Sherloc (09022015). Collection method: clinical testing. Allele origin: germline.
Comment: This sequence change replaces tyrosine, which is neutral and polar, with serine, which is neutral and polar, at codon 703 of the KIT protein (p.Tyr703Ser). This variant is not present in population databases (gnomAD no frequency). This variant has not been reported in the literature in individuals affected with KIT-related conditions. ClinVar contains an entry for this variant (Variation ID: 2102754). An algorithm developed to predict the effect of missense changes on protein structure and function (PolyPhen-2) suggests that this variant is likely to be disruptive. In summary, the available evidence is currently insufficient to determine the role of this variant in disease. Therefore, it has been classified as a Variant of Uncertain Significance.